The following is an entry in ClinVar:

ClinVar aggregate classification (germline): Uncertain significance. Review status: criteria provided, single submitter (1 of 4 stars). 2 submissions from 2 submitters: Uncertain significance (1). 1 of the submissions does not count toward it. Last evaluated 2025-08-08.

Conditions:
Inborn genetic diseases. Identifiers: MedGen C0950123, MeSH D030342.
TBX3-related disorder. Also called: TBX3-related condition.

gnomAD v4.1: 1 of 1,614,146 alleles (0.000062%); highest among the groups gnomAD compares: Admixed American, 0.0017%; no homozygotes.

Submissions (2):

Ambry Genetics
Classification: Uncertain significance for Inborn genetic diseases. Last evaluated: 2025-08-08. Review status: criteria provided, single submitter. Criteria: Ambry Variant Classification Scheme 2023. Collection method: clinical testing. Allele origin: germline.

PreventionGenetics, part of Exact Sciences
Classification: Uncertain significance for TBX3-related condition. Last evaluated: 2023-12-19. Review status: no assertion criteria provided. Collection method: clinical testing. Allele origin: germline. Not counted in ClinVar's aggregate classification.
Comment: The TBX3 c.767G>A variant is predicted to result in the amino acid substitution p.Arg256Lys. To our knowledge, this variant has not been reported in the literature. This variant is reported in 0.0029% of alleles in individuals of Latino descent in gnomAD. At this time, the clinical significance of this variant is uncertain due to the absence of conclusive functional and genetic evidence.

NM_005996.4(TBX3):c.707G>A (p.Arg236Lys)

Gene: TBX3 (T-box transcription factor 3; minus strand). Cytogenetic location: 12q24.21.
Variant type: single nucleotide variant.
Coding change: c.707G>A on transcript NM_005996.4 (MANE Select); coding-DNA position 707, G replaced by A.
Protein change: p.Arg236Lys; replaces arginine 236 with lysine.
Molecular consequence: missense variant.
Genome position (GRCh38, 1-based): chr12:114,679,602, C>T on the plus strand (G>A on the coding strand, the complement: TBX3 is on the minus strand). VCF-style: chr12-114679602-C-T. GRCh37 (hg19) VCF-style: chr12-115117407-C-T.
Other names: c.767G>A, p.Arg256Lys (NM_016569.4); c.707G>A (NM_005996.3); short protein forms R236K, R256K.
Identifiers: ClinVar variation 3351513 (VCV003351513.2).
Genomic context (GRCh38, chr12:114,679,602, plus strand): 5'-GTTTCGGGGAACAAGTATGTCCGAAATGTACTATAAGGGAGTTTCAAGATGTCATTGGCT[C>T]TTACAATGTGGAACCGGGGCTGGTATTTGTGCATGGAGTTCAATATAGTCTGCAGGGGCA-3'
Protein context (NP_005987.3, residues 226-246): HKYQPRFHIV[Arg236Lys]ANDILKLPYS